The following is an entry in ClinVar:

NC_012920.1(MT-TV):m.1641G>A

Gene: MT-TV (mitochondrially encoded tRNA valine; plus strand).
Variant type: single nucleotide variant.
Genome position: chrM-1641-G-A.
Identifiers: ClinVar variation 689845 (VCV000689845.1), dbSNP rs28416113, ClinGen allele CA337096093.

ClinVar aggregate classification (germline): Uncertain significance (1 of 4 stars; one submission).

Conditions:
MELAS syndrome (MELAS). Also called: Juvenile myopathy, encephalopathy, lactic acidosis, stroke. Identifiers: Orphanet 550, MedGen C0162671, MONDO:0010789, OMIM 540000.

Submission:

Wong Mito Lab, Molecular and Human Genetics, Baylor College of Medicine
Classification: Uncertain significance for MELAS syndrome. Last evaluated: 2019-07-12. Review status: criteria provided, single submitter. Criteria: Modified ACMG Guidelines (Unpublished). Collection method: clinical testing. Allele origin: germline.
Comment: The NC_012920.1:m.1641G>A variant in MT-TV gene is interpreted to be a Unknown Significance variant based on the modified ACMG guidelines (unpublished). This variant meets the following evidence codes reported in the guidelines: PP3, PP7

Literature cited by the submitters: PubMed 31965079.